The following is an entry in ClinVar:

NM_000091.5(COL4A3):c.889-1G>A

Genes: COL4A3 (collagen type IV alpha 3 chain; plus strand), MFF-DT (MFF divergent transcript; minus strand). Cytogenetic location: 2q36.3.
Variant type: single nucleotide variant.
Coding change: c.889-1G>A on transcript NM_000091.5 (MANE Select); the canonical splice acceptor site of the intron before coding-DNA position 889, G replaced by A.
Molecular consequence: splice acceptor variant.
Genome position (GRCh38, 1-based): chr2:227,256,025, G>A. VCF-style: chr2-227256025-G-A. GRCh37 (hg19) VCF-style: chr2-228120741-G-A.
Identifiers: ClinVar variation 3256861 (VCV003256861.1).

ClinVar aggregate classification (germline): Pathogenic (1 of 4 stars; one submission).

Conditions:
Autosomal dominant Alport syndrome (ATS3A). Also called: Alport syndrome dominant type; Renal failure and sensorineural hearing loss; ALPORT SYNDROME 3A, AUTOSOMAL DOMINANT. Identifiers: Orphanet 63, Orphanet 88918, MedGen C5882663, MONDO:0007086, OMIM 104200.

Submission:

MVZ Medizinische Genetik Mainz
Classification: Pathogenic for Autosomal dominant Alport syndrome. Last evaluated: 2024-04-30. Review status: criteria provided, single submitter. Criteria: UK Practice Guidelines For Variant Classification V4 01 2020. Collection method: clinical testing. Allele origin: germline. Inheritance: Autosomal recessive inheritance. Affected: yes. Observed: 1 variant allele.
Comment: ACMG Criteria: PVS1,PM2_SUP,PP4